The following is an entry in ClinVar:

ClinVar aggregate classification (germline): Uncertain significance (1 of 4 stars; one submission).

Conditions:
Hereditary cancer-predisposing syndrome. Also called: Tumor predisposition; Hereditary Cancer Syndrome; Hereditary neoplastic syndrome; Neoplastic Syndromes, Hereditary. Identifiers: Orphanet 140162, MedGen C0027672, MeSH D009386, MONDO:0015356.

Submission:

Ambry Genetics
Classification: Uncertain significance for Hereditary cancer-predisposing syndrome. Last evaluated: 2024-05-31. Review status: criteria provided, single submitter. Criteria: Ambry Variant Classification Scheme 2023. Collection method: clinical testing. Allele origin: germline.
Comment: The p.R26K variant (also known as c.77G>A), located in coding exon 1 of the MSH6 gene, results from a G to A substitution at nucleotide position 77. The arginine at codon 26 is replaced by lysine, an amino acid with highly similar properties. This amino acid position is conserved. In addition, this alteration is predicted to be tolerated by in silico analysis. Based on the available evidence, the clinical significance of this variant remains unclear.

NM_000179.3(MSH6):c.77G>A (p.Arg26Lys)

Gene: MSH6 (mutS homolog 6; plus strand). Cytogenetic location: 2p16.3.
Variant type: single nucleotide variant.
Coding change: c.77G>A on transcript NM_000179.3 (MANE Select); coding-DNA position 77, G replaced by A.
Protein change: p.Arg26Lys; replaces arginine 26 with lysine.
Molecular consequence: missense variant. On other transcripts: 5 prime UTR variant (7), non-coding transcript variant (5), intron variant (5).
Genome position (GRCh38, 1-based): chr2:47,783,310, G>A. VCF-style: chr2-47783310-G-A. GRCh37 (hg19) VCF-style: chr2-48010449-G-A.
Other names: c.77G>A, p.Arg26Lys (NM_001281492.2, NM_001406795.1, NM_001406796.1 and 9 more transcripts); c.-660G>A (NM_001281493.2, NM_001406811.1); c.-252G>A (NM_001406799.1); c.22G>A, p.Gly8Arg (NM_001406804.1); c.-852G>A (NM_001406807.1); c.-507G>A (NM_001406812.1); c.-918G>A (NM_001406814.1); c.-463G>A (NM_001406816.1); and 3 more; short protein forms G8R, R26K.
Identifiers: ClinVar variation 3296418 (VCV003296418.1).